The following is an entry in ClinVar:

NM_006031.6(PCNT):c.9273+22T>C

Gene: PCNT (pericentrin; plus strand). Cytogenetic location: 21q22.3.
Variant type: single nucleotide variant.
Coding change: c.9273+22T>C on transcript NM_006031.6 (MANE Select); 22 bases into the intron after coding-DNA position 9273, T replaced by C.
Molecular consequence: intron variant.
Genome position (GRCh38, 1-based): chr21:46,438,359, T>C. VCF-style: chr21-46438359-T-C. GRCh37 (hg19) VCF-style: chr21-47858272-T-C.
Other names: c.8682+22T>C (NM_001315529.2).
Identifiers: ClinVar variation 159689 (VCV000159689.7), dbSNP rs2051190, ClinGen allele CA173144.

ClinVar aggregate classification (germline): Benign. Review status: criteria provided, multiple submitters, no conflicts (2 of 4 stars). 3 submissions from 3 submitters: Benign (2). 1 of the submissions does not count toward it. Last evaluated 2018-06-16.

Allele frequency attached by ClinVar (database versions not stated): gnomAD exomes 0.30307 and 0.30695; ESP Exome Variant Server 0.25673; gnomAD 0.26843 and 0.27321; 1000 Genomes Project 0.29273; TOPMed 0.26996; 1000 Genomes Project 30x 0.28919; ExAC 0.29883.
gnomAD v4.1: 482,026 of 1,607,932 alleles (30%); highest among the groups gnomAD compares: Admixed American, 37%; 74,223 homozygotes.

Submissions (3):

GeneDx
Classification: Benign. Last evaluated: 2018-06-16. Review status: criteria provided, single submitter. Criteria: GeneDx Variant Classification (06012015). Collection method: clinical testing. Allele origin: germline. Affected: yes.
Comment: This variant is considered likely benign or benign based on one or more of the following criteria: it is a conservative change, it occurs at a poorly conserved position in the protein, it is predicted to be benign by multiple in silico algorithms, and/or has population frequency not consistent with disease.

Breakthrough Genomics
Classification: Benign. Review status: criteria provided, single submitter. Criteria: ACMG Guidelines, 2015. Collection method: not provided. Allele origin: germline. Inheritance: Autosomal recessive inheritance. Affected: yes.

Genetic Services Laboratory, University of Chicago
Classification: Likely benign. Review status: no assertion criteria provided. Collection method: clinical testing. Allele origin: germline. Inheritance: Autosomal recessive inheritance. Not counted in ClinVar's aggregate classification.
Comment: Likely benign based on allele frequency in 1000 Genomes Project or ESP global frequency and its presence in a patient with a rare or unrelated disease phenotype. NOT Sanger confirmed